The following is an entry in ClinVar:

NM_203475.3(PORCN):c.623C>T (p.Thr208Ile)

Gene: PORCN (porcupine O-acyltransferase; plus strand). Cytogenetic location: Xp11.23.
Variant type: single nucleotide variant.
Coding change: c.623C>T on transcript NM_203475.3 (MANE Select); coding-DNA position 623, C replaced by T.
Protein change: p.Thr208Ile; replaces threonine 208 with isoleucine.
Molecular consequence: missense variant.
Genome position (GRCh38, 1-based): chrX:48,512,656, C>T. VCF-style: chrX-48512656-C-T. GRCh37 (hg19) VCF-style: chrX-48371044-C-T.
Other names: c.410C>T, p.Thr137Ile (NM_001282167.2); c.623C>T, p.Thr208Ile (NM_022825.4, NM_203473.3, NM_203474.1); short protein forms T137I, T208I.
Identifiers: ClinVar variation 1306716 (VCV001306716.2), dbSNP rs2147124322, ClinGen allele CA412845115.

ClinVar aggregate classification (germline): Uncertain significance (1 of 4 stars; one submission).

Submission:

GeneDx
Classification: Uncertain significance. Last evaluated: 2019-07-21. Review status: criteria provided, single submitter. Criteria: GeneDx Variant Classification Process June 2021. Collection method: clinical testing. Allele origin: germline. Affected: yes.
Comment: Not observed in large population cohorts (Lek et al., 2016); In silico analysis, which includes protein predictors and evolutionary conservation, supports a deleterious effect; Has not been previously published as pathogenic or benign to our knowledge